The following is an entry in ClinVar:

NM_144997.7(FLCN):c.1397del (p.Val466fs)

Gene: FLCN (folliculin; minus strand). Cytogenetic location: 17p11.2.
Variant type: Deletion.
Coding change: c.1397del on transcript NM_144997.7 (MANE Select); coding-DNA position 1397, one base deleted (T; older notation c.1397delT).
Protein change: p.Val466fs; shifts the reading frame from valine 466.
Molecular consequence: frameshift variant.
Genome position (GRCh38, 1-based): chr17:17,215,220, A deleted on the plus strand (T on the coding strand, the reverse complement: FLCN is on the minus strand). VCF-style (leftmost placement, unchanged base first): chr17-17215219-CA-C. GRCh37 (hg19) VCF-style: chr17-17118533-CA-C.
Other names: c.1451del, p.Val484fs (NM_001353229.2); c.1397del, p.Val466fs (NM_001353230.2, NM_001353231.2); short protein forms V466fs, V484fs.
Identifiers: ClinVar variation 864273 (VCV000864273.7), dbSNP rs2046877798, ClinGen allele CA916081880.

ClinVar aggregate classification (germline): Pathogenic (1 of 4 stars; one submission).

Conditions:
Birt-Hogg-Dube syndrome. Also called: Birt Hogg Dubé syndrome. Identifiers: Orphanet 122, MedGen C0346010, MONDO:0800444.

Submission:

Labcorp Genetics (formerly Invitae), Labcorp
Classification: Pathogenic for Birt-Hogg-Dube syndrome. Last evaluated: 2019-01-31. Review status: criteria provided, single submitter. Criteria: Invitae Variant Classification Sherloc (09022015). Collection method: clinical testing. Allele origin: germline.
Comment: For these reasons, this variant has been classified as Pathogenic. Loss-of-function variants in FLCN are known to be pathogenic (PMID: 15852235). This variant has not been reported in the literature in individuals with FLCN-related conditions. This variant is not present in population databases (ExAC no frequency). This sequence change creates a premature translational stop signal (p.Val466Glyfs*2) in the FLCN gene. It is expected to result in an absent or disrupted protein product.

Literature cited by the submitters: PubMed 15852235.